The following is an entry in ClinVar:

ClinVar aggregate classification (germline): Uncertain significance (1 of 4 stars; one submission).

Allele frequency attached by ClinVar (database versions not stated): gnomAD exomes below 0.00001 and 0.00001; ExAC 0.00001.
gnomAD v4.1: 3 of 1,613,418 alleles (0.00019%); highest among the groups gnomAD compares: South Asian, 0.0033%; no homozygotes.

Submission:

GeneDx
Classification: Uncertain significance. Last evaluated: 2018-09-18. Review status: criteria provided, single submitter. Criteria: GeneDx Variant Classification Process June 2021. Collection method: clinical testing. Allele origin: germline. Affected: yes.
Comment: Not observed at a significant frequency in large population cohorts (Lek et al., 2016); In silico analysis supports that this missense variant has a deleterious effect on protein structure/function; Has not been previously published as pathogenic or benign to our knowledge

NM_013382.7(POMT2):c.1510T>G (p.Cys504Gly)

Gene: POMT2 (protein O-mannosyltransferase 2; minus strand). Cytogenetic location: 14q24.3.
Variant type: single nucleotide variant.
Coding change: c.1510T>G on transcript NM_013382.7 (MANE Select); coding-DNA position 1510, T replaced by G.
Protein change: p.Cys504Gly; replaces cysteine 504 with glycine.
Molecular consequence: missense variant.
Genome position (GRCh38, 1-based): chr14:77,285,016, A>C on the plus strand (T>G on the coding strand, the complement: POMT2 is on the minus strand). VCF-style: chr14-77285016-A-C. GRCh37 (hg19) VCF-style: chr14-77751359-A-C.
Other names: short protein forms C504G.
Identifiers: ClinVar variation 1304164 (VCV001304164.2), dbSNP rs763308182, ClinGen allele CA7285825.